The following is an entry in ClinVar:

ClinVar aggregate classification (germline): Pathogenic (0 of 4 stars; one submission).

Conditions:
Alkaptonuria (AKU). Also called: Alkaptonuric ochronosis; Homogentisic acidura; Alcaptonuria; HOMOGENTISIC ACID OXIDASE DEFICIENCY. Identifiers: Orphanet 56, MedGen C0002066, MONDO:0008753, OMIM 203500.

Submission:

Department Of Human Genetics, Institute Of Clinical And Translational Research, Biomedical Research Center, Slovak Academy Of Sciences
Classification: Pathogenic for Alkaptonuria. Review status: no assertion criteria provided. Collection method: research. Allele origin: germline. Inheritance: Autosomal recessive inheritance. Affected: yes. Observed: 1 variant allele.
Comment: The variant was originally described in AKU patients in PMID: 25681086. It has been submitted to the HGD gene mutation database (DB-ID: AKU_00AKU_00169).

Literature cited by the submitters: PubMed 25681086.

NM_000187.4(HGD):c.515T>C (p.Met172Thr)

Gene: HGD (homogentisate 1,2-dioxygenase; minus strand). Cytogenetic location: 3q13.33.
Variant type: single nucleotide variant.
Coding change: c.515T>C on transcript NM_000187.4 (MANE Select); coding-DNA position 515, T replaced by C.
Protein change: p.Met172Thr; replaces methionine 172 with threonine.
Molecular consequence: missense variant.
Genome position (GRCh38, 1-based): chr3:120,647,007, A>G on the plus strand (T>C on the coding strand, the complement: HGD is on the minus strand). VCF-style: chr3-120647007-A-G. GRCh37 (hg19) VCF-style: chr3-120365854-A-G.
Other names: short protein forms M172T.
Identifiers: ClinVar variation 2627691 (VCV002627691.1), dbSNP rs2472701826, ClinGen allele CA354077016.
Genomic context (GRCh38, chr3:120,647,007, plus strand): 5'-GGAAGAGAAGGGGACACATCACCAACCTGAATGACGCAGATCTCATTGGGCTGTACAAGC[A>G]TCTTGCCAAACTCGGTGTAAATGAGAAGGTTCCCTTTCTGCGGAACTGACAAAAAAAGAC-3'
Protein context (NP_000178.2, residues 162-182): NLLIYTEFGK[Met172Thr]LVQPNEICVI